The following is an entry in ClinVar:

ClinVar aggregate classification (germline): Pathogenic. Review status: criteria provided, multiple submitters, no conflicts (2 of 4 stars). 5 submissions from 5 submitters: Pathogenic (4). 1 of the submissions does not count toward it. Last evaluated 2025-11-05.
ClinVar aggregate classification (oncogenicity): Oncogenic (1 of 4 stars; one submission).

Conditions:
Hereditary cancer-predisposing syndrome. Also called: Neoplastic Syndromes, Hereditary; Tumor predisposition; Hereditary neoplastic syndrome; Hereditary Cancer Syndrome. Identifiers: Orphanet 140162, MedGen C0027672, MeSH D009386, MONDO:0015356.
Retinoblastoma (RB1). Also called: RETINOBLASTOMA, SOMATIC. Identifiers: Orphanet 790, MedGen C0035335, MeSH D012175, MONDO:0008380, OMIM 180200, HP:0009919. Disease mechanism: loss of function. Inheritance: Both sporadic and heritable forms are tested..
Trilateral retinoblastoma. Identifiers: MedGen C2608045, MONDO:0003073.
Neoplasm. Also called: Neoplasms; Neoplasm (disease); tumor. Identifiers: MedGen C0027651, MeSH D009369, MONDO:0005070, HP:0002664.

Allele frequency attached by ClinVar (database versions not stated): gnomAD exomes below 0.00001.
gnomAD v4.1: 1 of 1,613,542 alleles (0.000062%); highest among the groups gnomAD compares: Non-Finnish European, 0.000085%; no homozygotes.

Submissions (6):

Center for Genomic Medicine, Rigshospitalet, Copenhagen University Hospital
Classification: Oncogenic for Neoplasm. Last evaluated: 2026-10-16. Review status: criteria provided, single submitter. Criteria: ClinGen/CGC/VICC Guidelines for Oncogenicity, 2022. Collection method: clinical testing. Allele origin: somatic. Affected: yes.

Labcorp Genetics (formerly Invitae), Labcorp
Classification: Pathogenic for Retinoblastoma. Last evaluated: 2025-11-05. Review status: criteria provided, single submitter. Criteria: Invitae Variant Classification Sherloc (09022015). Collection method: clinical testing. Allele origin: germline.
Comment: This sequence change creates a premature translational stop signal (p.Arg556*) in the RB1 gene. It is expected to result in an absent or disrupted protein product. Loss-of-function variants in RB1 are known to be pathogenic (PMID: 17096365). This variant is not present in population databases (gnomAD no frequency). This premature translational stop signal has been observed in individual(s) with retinoblastoma (PMID: 22963398, 24688104, 25602518). Invitae Evidence Modeling of clinical and family history, age, sex, and reported ancestry of multiple individuals with this RB1 variant has been performed. This variant is expected to be pathogenic with a positive predictive value of at least 99%. This is a validated machine learning model that incorporates the clinical features of 413,071 individuals referred to our laboratory for RB1 testing. ClinVar contains an entry for this variant (Variation ID: 13090). For these reasons, this variant has been classified as Pathogenic.

Genetic Diagnostic Laboratory, University of Pennsylvania School of Medicine
Classification: Pathogenic for Retinoblastoma. Last evaluated: 2024-05-20. Review status: criteria provided, single submitter. Criteria: ACMG Guidelines, 2015. Collection method: clinical testing. Allele origin: germline. Affected: yes. Observed: 9 variant alleles.
Comment: Case and Pedigree Information: BILATERAL CASES:6, UNILATERAL CASES:3, TOTAL CASES:9, PEDIGREES:9. ACMG Codes Applied:PVS1, PM2, PS4SUP

Ambry Genetics
Classification: Pathogenic for Hereditary cancer-predisposing syndrome. Last evaluated: 2021-11-24. Review status: criteria provided, single submitter. Criteria: Ambry Variant Classification Scheme 2023. Collection method: clinical testing. Allele origin: germline.
Comment: The p.R556* pathogenic mutation (also known as c.1666C>T), located in coding exon 17 of the RB1 gene, results from a C to T substitution at nucleotide position 1666. This changes the amino acid from an arginine to a stop codon within coding exon 17. This mutation has been reported in multiple patients with bilateral retinoblastoma (Onadim Z et al. Br. J. Cancer 1997; 76(11):1405-9; Sampieri K et al. J. Hum. Genet. 2006 ; 51(3):209-16; Seo SH et al. Clin. Genet. 2013 May; 83(5):494-6; Zou Y et al. Mol Vis, 2021 Jan;27:1-16). This variant is considered to be rare based on population cohorts in the Genome Aggregation Database (gnomAD). In addition to the clinical data presented in the literature, this alteration is expected to result in loss of function by premature protein truncation or nonsense-mediated mRNA decay. As such, this alteration is interpreted as a disease-causing mutation.

St. Jude Molecular Pathology, St. Jude Children's Research Hospital
Classification: Pathogenic for Retinoblastoma. Last evaluated: 2016-03-11. Review status: criteria provided, single submitter. Criteria: ACMG Guidelines, 2015. Collection method: clinical testing. Allele origin: germline. Affected: yes.
Comment: This is a nonsense variant in which a C is replaced by a T at coding position 1666 and is predicted to change an Arginine to a premature stop codon at codon 556.

OMIM
Classification: Pathogenic for RETINOBLASTOMA, TRILATERAL. Last evaluated: 1997-01-01. Review status: no assertion criteria provided. Collection method: literature only. Allele origin: germline. Not counted in ClinVar's aggregate classification.

Literature cited by the submitters: PubMed 17096365 (cited by Labcorp Genetics (formerly Invitae), Labcorp); PubMed 22963398 (cited by Labcorp Genetics (formerly Invitae), Labcorp and Ambry Genetics); PubMed 24688104 (cited by Labcorp Genetics (formerly Invitae), Labcorp); PubMed 25602518 (cited by Labcorp Genetics (formerly Invitae), Labcorp); PubMed 16463005 (cited by Ambry Genetics); PubMed 21763628 (cited by Ambry Genetics); PubMed 30031154 (cited by Ambry Genetics); PubMed 33456302 (cited by Ambry Genetics); PubMed 8605116 (cited by Ambry Genetics and OMIM); PubMed 9400934 (cited by Ambry Genetics and OMIM); PubMed 8346255 (cited by OMIM); PubMed 7704558 (cited by OMIM).

NM_000321.3(RB1):c.1666C>T (p.Arg556Ter)

Gene: RB1 (RB transcriptional corepressor 1; plus strand). Cytogenetic location: 13q14.2.
Variant type: single nucleotide variant.
Coding change: c.1666C>T on transcript NM_000321.3 (MANE Select); coding-DNA position 1666, C replaced by T.
Protein change: p.Arg556Ter; replaces arginine 556 with a stop codon.
Molecular consequence: nonsense.
Genome position (GRCh38, 1-based): chr13:48,381,414, C>T. VCF-style: chr13-48381414-C-T. GRCh37 (hg19) VCF-style: chr13-48955550-C-T.
Other names: L11910:g.78250C>T; short protein forms R556*.
Identifiers: ClinVar variation 13090 (VCV000013090.18), dbSNP rs121913304, ClinGen allele CA026386.